The following is an entry in ClinVar:

NM_006035.4(CDC42BPB):c.2012G>A (p.Arg671Gln)

Gene: CDC42BPB (CDC42 binding protein kinase beta; minus strand). Cytogenetic location: 14q32.32.
Variant type: single nucleotide variant.
Coding change: c.2012G>A on transcript NM_006035.4 (MANE Select); coding-DNA position 2012, G replaced by A.
Protein change: p.Arg671Gln; replaces arginine 671 with glutamine.
Molecular consequence: missense variant.
Genome position (GRCh38, 1-based): chr14:102,968,700, C>T on the plus strand (G>A on the coding strand, the complement: CDC42BPB is on the minus strand). VCF-style: chr14-102968700-C-T. GRCh37 (hg19) VCF-style: chr14-103435037-C-T.
Other names: R671Q.
Identifiers: ClinVar variation 1686830 (VCV001686830.25), dbSNP rs55948035, ClinGen allele CA7361190.
Genomic context (GRCh38, chr14:102,968,700, plus strand): 5'-TCCAGCTCGGATTTGATTTTGGAAATCTCTTGCTGGTGCTCTAAGGTGGCACCCGCTCCC[C>T]GGCCTCCTTGCTTCACCTGAAGACAAAGGTTAACATAAATTGACAAACCTCTGTGTCCTC-3'
Protein context (NP_006026.3, residues 661-681): LEALKVKQGG[Arg671Gln]GAGATLEHQQ

ClinVar aggregate classification (germline): Likely benign. Review status: criteria provided, single submitter (1 of 4 stars). 2 submissions from 2 submitters: Likely benign (1). 1 of the submissions does not count toward it. Last evaluated 2024-12-01.

Allele frequency attached by ClinVar (database versions not stated): ESP Exome Variant Server 0.00008; gnomAD 0.00024 and 0.00035; TOPMed 0.00037; gnomAD exomes 0.00070; ExAC 0.00075; 1000 Genomes Project 30x 0.00265; 1000 Genomes Project 0.00280.
gnomAD v4.1: 443 of 1,613,958 alleles (0.027%); highest among the groups gnomAD compares: East Asian, 0.72%; no homozygotes.

Submissions (2):

CeGaT Center for Human Genetics Tuebingen
Classification: Likely benign. Last evaluated: 2024-12-01. Review status: criteria provided, single submitter. Criteria: CeGaT Center For Human Genetics Tuebingen Variant Classification Criteria Version 2. Collection method: clinical testing. Allele origin: germline. Affected: yes. Observed: 2 variant alleles.
Comment: CDC42BPB: PP2, BP4, BS1

OMIM
Classification: Uncertain significance for VARIANT OF UNKNOWN SIGNIFICANCE. Last evaluated: 2022-04-27. Review status: no assertion criteria provided. Collection method: literature only. Allele origin: germline. Not counted in ClinVar's aggregate classification.

Literature cited by the submitters: PubMed 32043305 (cited by OMIM).